The following is an entry in ClinVar:

NM_001394372.1(BICRA):c.3799T>A (p.Ser1267Thr)

Gene: BICRA (BRD4 interacting chromatin remodeling complex associated protein; plus strand). Cytogenetic location: 19q13.33.
Variant type: single nucleotide variant.
Coding change: c.3799T>A on transcript NM_001394372.1 (MANE Select); coding-DNA position 3799, T replaced by A.
Protein change: p.Ser1267Thr; replaces serine 1267 with threonine.
Molecular consequence: missense variant.
Genome position (GRCh38, 1-based): chr19:47,701,531, T>A. VCF-style: chr19-47701531-T-A. GRCh37 (hg19) VCF-style: chr19-48204788-T-A.
Other names: c.3799T>A, p.Ser1267Thr (NM_015711.3); short protein forms S1267T.
Identifiers: ClinVar variation 1805875 (VCV001805875.1), dbSNP rs769799808, ClinGen allele CA9542322.
Genomic context (GRCh38, chr19:47,701,531, plus strand): 5'-GTGATCCGGCACGGCGGGGCAGGCGGCTCCCCTTCGGTCACCTGGGCCCGGGCGTCCTCC[T>A]CCCTGTCCTCCTCTTCCTCCTCCTCCTCTGCCGCCTCCTCCTTGGACGCCGACGAGGACG-3'
Protein context (NP_001381301.1, residues 1257-1277): PSVTWARASS[Ser1267Thr]LSSSSSSSSA

ClinVar aggregate classification (germline): Uncertain significance (1 of 4 stars; one submission).

Conditions:
Neurodevelopmental disorder. Identifiers: MedGen C1535926, MeSH D065886, MONDO:0700092.

Allele frequency attached by ClinVar (database versions not stated): gnomAD exomes 0.00001.
gnomAD v4.1: 8 of 1,548,356 alleles (0.00052%); highest among the groups gnomAD compares: Non-Finnish European, 0.0007%; no homozygotes.

Submission:

Victorian Clinical Genetics Services, Murdoch Childrens Research Institute
Classification: Uncertain significance for Neurodevelopmental disorder. Last evaluated: 2021-05-06. Review status: criteria provided, single submitter. Criteria: ACMG Guidelines, 2015. Collection method: clinical testing. Allele origin: germline. Inheritance: Autosomal dominant inheritance.
Comment: Based on the classification scheme VCGS_Germline_v1.3.4, this variant is classified as VUS-3C. Following criteria are met: 0102 - Loss of function is a known mechanism of disease in this gene and is associated with BICRA-related intellectual disability (PMID: 33232675). (I) 0107 - This gene is associated with autosomal dominant disease. (I) 0200 - Variant is predicted to result in a missense amino acid change from serine to threonine. (I) 0251 - This variant is heterozygous. (I) 0301 - Variant is absent from gnomAD (both v2 and v3). (SP) 0309 - An alternative amino acid change at the same position has been observed in gnomAD (v2) (1 heterozygote, 0 homozygotes). (I) 0504 - Same amino acid change has been observed in placental mammals. (SB) 0604 - Variant is not located in an established domain, motif, hotspot or informative constraint region. (I) 0705 - No comparable missense variants have previous evidence for pathogenicity. (I) 0807 - This variant has no previous evidence of pathogenicity. (I) 0905 - No published segregation evidence has been identified for this variant. (I) 1007 - No published functional evidence has been identified for this variant. (I) 1208 - Inheritance information for this variant is not currently available in this individual. (I) Legend: (SP) - Supporting pathogenic, (I) - Information, (SB) - Supporting benign

Literature cited by the submitters: PubMed 33232675.